The following is an entry in ClinVar:

NM_004260.4(RECQL4):c.3022T>A (p.Cys1008Ser)

Gene: RECQL4 (RecQ like helicase 4; minus strand). Cytogenetic location: 8q24.3.
Variant type: single nucleotide variant.
Coding change: c.3022T>A on transcript NM_004260.4 (MANE Select); coding-DNA position 3022, T replaced by A.
Protein change: p.Cys1008Ser; replaces cysteine 1008 with serine.
Molecular consequence: missense variant. On other transcripts: non-coding transcript variant (3).
Genome position (GRCh38, 1-based): chr8:144,512,425, A>T on the plus strand (T>A on the coding strand, the complement: RECQL4 is on the minus strand). VCF-style: chr8-144512425-A-T. GRCh37 (hg19) VCF-style: chr8-145737808-A-T.
Other names: c.2728T>A, p.Cys910Ser (NM_001413017.1); c.2824T>A, p.Cys942Ser (NM_001413018.1); c.3097T>A, p.Cys1033Ser (NM_001413019.1); c.2926T>A, p.Cys976Ser (NM_001413020.1); c.1951T>A, p.Cys651Ser (NM_001413021.1, NM_001413022.1, NM_001413024.1 and 4 more transcripts); c.2026T>A, p.Cys676Ser (NM_001413023.1); c.2893T>A, p.Cys965Ser (NM_001413025.1); c.1885T>A, p.Cys629Ser (NM_001413027.1, NM_001413030.1, NM_001413032.1); and 9 more; short protein forms C585S, C629S, C910S, C891S, C942S, C1008S, C519S, C641S.
Identifiers: ClinVar variation 2964366 (VCV002964366.3), dbSNP rs762312510, ClinGen allele CA372671364.
Genomic context (GRCh38, chr8:144,512,425, plus strand): 5'-GGCGGTGTGGGGTGGGGAGAGGCGCACCTGTCCTGGGCTCGTGGTCCCACTGCAGCTGGC[A>T]GAGAGCCCGCCGCACAGAGGCCAGCTCCCAGCCCATGGAGTCCACCAGCTTGACCATGTC-3'
Protein context (NP_004251.4, residues 998-1018): WELASVRRAL[Cys1008Ser]QLQWDHEPRT

ClinVar aggregate classification (germline): Uncertain significance (1 of 4 stars; one submission).

Conditions:
Baller-Gerold syndrome (BGS). Also called: CRANIOSYNOSTOSIS WITH RADIAL DEFECTS. Identifiers: Orphanet 1225, MedGen C0265308, MONDO:0009039, OMIM 218600.

Submission:

Labcorp Genetics (formerly Invitae), Labcorp
Classification: Uncertain significance for Baller-Gerold syndrome. Last evaluated: 2022-11-24. Review status: criteria provided, single submitter. Criteria: Invitae Variant Classification Sherloc (09022015). Collection method: clinical testing. Allele origin: germline.
Comment: This sequence change replaces cysteine, which is neutral and slightly polar, with serine, which is neutral and polar, at codon 1008 of the RECQL4 protein (p.Cys1008Ser). This variant is not present in population databases (gnomAD no frequency). This variant has not been reported in the literature in individuals affected with RECQL4-related conditions. Advanced modeling of protein sequence and biophysical properties (such as structural, functional, and spatial information, amino acid conservation, physicochemical variation, residue mobility, and thermodynamic stability) performed at Invitae indicates that this missense variant is not expected to disrupt RECQL4 protein function. In summary, the available evidence is currently insufficient to determine the role of this variant in disease. Therefore, it has been classified as a Variant of Uncertain Significance.